The following is an entry in ClinVar:

NM_001329943.3(KIAA0586):c.2164G>T (p.Asp722Tyr)

Gene: KIAA0586 (KIAA0586; plus strand). Cytogenetic location: 14q23.1.
Variant type: single nucleotide variant.
Coding change: c.2164G>T on transcript NM_001329943.3 (MANE Select); coding-DNA position 2164, G replaced by T.
Protein change: p.Asp722Tyr; replaces aspartic acid 722 with tyrosine.
Molecular consequence: missense variant.
Genome position (GRCh38, 1-based): chr14:58,465,939, G>T. VCF-style: chr14-58465939-G-T. GRCh37 (hg19) VCF-style: chr14-58932657-G-T.
Other names: c.2119G>T, p.Asp707Tyr (NM_001244190.2); c.1909G>T, p.Asp637Tyr (NM_001244191.2, NM_001329945.2, NM_001364700.1 and 1 more transcripts); c.2032G>T, p.Asp678Tyr (NM_001244192.2); c.1744G>T, p.Asp582Tyr (NM_001244193.2); c.2164G>T, p.Asp722Tyr (NM_001329944.2, NM_001329946.2, NM_001329947.2); c.1936G>T, p.Asp646Tyr (NM_014749.5); c.1936G>T (NM_014749.3); c.2323G>T, p.Asp775Tyr (NM_001244189.2); short protein forms D637Y, D646Y, D678Y, D722Y, D775Y, D707Y, D582Y.
Identifiers: ClinVar variation 1429887 (VCV001429887.7), dbSNP rs750671663, ClinGen allele CA389874089.

ClinVar aggregate classification (germline): Uncertain significance. Review status: criteria provided, multiple submitters, no conflicts (2 of 4 stars). 2 submissions from 2 submitters: Uncertain significance (2). Last evaluated 2025-01-06.

Conditions:
Joubert syndrome 23 (JBTS23). Identifiers: Orphanet 475, MedGen C4084822, MONDO:0014664, OMIM 616490.
Short-rib thoracic dysplasia 14 with polydactyly (SRTD14). Identifiers: Orphanet 397715, MedGen C4225286, MONDO:0014688, OMIM 616546.
Inborn genetic diseases. Identifiers: MedGen C0950123, MeSH D030342.

gnomAD v4.1: 4 of 1,612,840 alleles (0.00025%); highest among the groups gnomAD compares: Non-Finnish European, 0.00034%; no homozygotes.

Submissions (2):

Labcorp Genetics (formerly Invitae), Labcorp
Classification: Uncertain significance for Joubert syndrome 23; Short-rib thoracic dysplasia 14 with polydactyly. Last evaluated: 2025-01-06. Review status: criteria provided, single submitter. Criteria: Invitae Variant Classification Sherloc (09022015). Collection method: clinical testing. Allele origin: germline.
Comment: This sequence change replaces aspartic acid, which is acidic and polar, with tyrosine, which is neutral and polar, at codon 775 of the KIAA0586 protein (p.Asp775Tyr). This variant is not present in population databases (gnomAD no frequency). This variant has not been reported in the literature in individuals affected with KIAA0586-related conditions. ClinVar contains an entry for this variant (Variation ID: 1429887). Invitae Evidence Modeling of protein sequence and biophysical properties (such as structural, functional, and spatial information, amino acid conservation, physicochemical variation, residue mobility, and thermodynamic stability) indicates that this missense variant is expected to disrupt KIAA0586 protein function with a positive predictive value of 80%. In summary, the available evidence is currently insufficient to determine the role of this variant in disease. Therefore, it has been classified as a Variant of Uncertain Significance.

Ambry Genetics
Classification: Uncertain significance for Inborn genetic diseases. Last evaluated: 2021-08-02. Review status: criteria provided, single submitter. Criteria: Ambry Variant Classification Scheme 2023. Collection method: clinical testing. Allele origin: germline.